The following is an entry in ClinVar:

NM_000988.5(RPL27):c.286G>A (p.Val96Ile)

Gene: RPL27 (ribosomal protein L27; plus strand). Cytogenetic location: 17q21.31.
Variant type: single nucleotide variant.
Coding change: c.286G>A on transcript NM_000988.5 (MANE Select); coding-DNA position 286, G replaced by A.
Protein change: p.Val96Ile; replaces valine 96 with isoleucine.
Molecular consequence: missense variant. On other transcripts: non-coding transcript variant (1).
Genome position (GRCh38, 1-based): chr17:43,002,707, G>A. VCF-style: chr17-43002707-G-A. GRCh37 (hg19) VCF-style: chr17-41154724-G-A.
Other names: c.286G>A, p.Val96Ile (NM_001349921.2, NM_001349922.2); c.286G>A (NM_000988.3); short protein forms V96I.
Identifiers: ClinVar variation 2060062 (VCV002060062.5), dbSNP rs753830462, ClinGen allele CA8588981.

ClinVar aggregate classification (germline): Uncertain significance. Review status: criteria provided, multiple submitters, no conflicts (2 of 4 stars). 2 submissions from 2 submitters: Uncertain significance (2). Last evaluated 2025-08-17.

Allele frequency attached by ClinVar (database versions not stated): TOPMed 0.00009; gnomAD exomes 0.00013; ExAC 0.00006; gnomAD 0.00009.
gnomAD v4.1: 198 of 1,613,620 alleles (0.012%); highest among the groups gnomAD compares: Non-Finnish European, 0.016%; no homozygotes.

Submissions (2):

Labcorp Genetics (formerly Invitae), Labcorp
Classification: Uncertain significance. Last evaluated: 2025-08-17. Review status: criteria provided, single submitter. Criteria: Invitae Variant Classification Sherloc (09022015). Collection method: clinical testing. Allele origin: germline.
Comment: This sequence change replaces valine, which is neutral and non-polar, with isoleucine, which is neutral and non-polar, at codon 96 of the RPL27 protein (p.Val96Ile). The frequency data for this variant in the population databases is considered unreliable, as metrics indicate poor data quality at this position in the gnomAD database. This variant has not been reported in the literature in individuals affected with RPL27-related conditions. ClinVar contains an entry for this variant (Variation ID: 2060062). An algorithm developed to predict the effect of missense changes on protein structure and function (PolyPhen-2) suggests that this variant is likely to be tolerated. In summary, the available evidence is currently insufficient to determine the role of this variant in disease. Therefore, it has been classified as a Variant of Uncertain Significance.

Ambry Genetics
Classification: Uncertain significance. Last evaluated: 2021-07-09. Review status: criteria provided, single submitter. Criteria: Ambry Variant Classification Scheme 2023. Collection method: clinical testing. Allele origin: germline.